The following is an entry in ClinVar:

NM_006164.5(NFE2L2):c.219G>C (p.Gln73His)

Gene: NFE2L2 (NFE2 like bZIP transcription factor 2; minus strand). Cytogenetic location: 2q31.2.
Variant type: single nucleotide variant.
Coding change: c.219G>C on transcript NM_006164.5 (MANE Select); coding-DNA position 219, G replaced by C.
Protein change: p.Gln73His; replaces glutamine 73 with histidine.
Molecular consequence: missense variant. On other transcripts: 5 prime UTR variant (1), intron variant (1).
Genome position (GRCh38, 1-based): chr2:177,234,098, C>G on the plus strand (G>C on the coding strand, the complement: NFE2L2 is on the minus strand). VCF-style: chr2-177234098-C-G. GRCh37 (hg19) VCF-style: chr2-178098826-C-G.
Other names: c.171G>C, p.Gln57His (NM_001145412.3, NM_001145413.3, NM_001313900.1 and 1 more transcripts); c.219G>C, p.Gln73His (NM_001313902.2); c.-11G>C (NM_001313904.1); c.93+126G>C (NM_001313903.2); short protein forms Q57H, Q73H.
Identifiers: ClinVar variation 1964339 (VCV001964339.5), dbSNP rs762562739, ClinGen allele CA1979930.

ClinVar aggregate classification (germline): Uncertain significance (1 of 4 stars; one submission).

Allele frequency attached by ClinVar (database versions not stated): ExAC 0.00001.

Submission:

Labcorp Genetics (formerly Invitae), Labcorp
Classification: Uncertain significance. Last evaluated: 2022-07-01. Review status: criteria provided, single submitter. Criteria: Invitae Variant Classification Sherloc (09022015). Collection method: clinical testing. Allele origin: germline.
Comment: In summary, the available evidence is currently insufficient to determine the role of this variant in disease. Therefore, it has been classified as a Variant of Uncertain Significance. Algorithms developed to predict the effect of missense changes on protein structure and function are either unavailable or do not agree on the potential impact of this missense change (SIFT: "Deleterious"; PolyPhen-2: "Probably Damaging"; Align-GVGD: "Class C15"). This variant has not been reported in the literature in individuals affected with NFE2L2-related conditions. This variant is present in population databases (rs762562739, gnomAD 0.0009%). This sequence change replaces glutamine, which is neutral and polar, with histidine, which is basic and polar, at codon 73 of the NFE2L2 protein (p.Gln73His).